The following is an entry in ClinVar:

NM_000500.9(CYP21A2):c.-81A>C

Genes: CYP21A2 (cytochrome P450 family 21 subfamily A member 2; plus strand), LOC106780800 (CYP21A2 recombination region; plus strand), LOC110631417 (CYP21A2 5' regulatory region; plus strand). Cytogenetic location: 6p21.33.
Variant type: single nucleotide variant.
Coding change: c.-81A>C on transcript NM_000500.9 (MANE Select); 81 bases upstream of the start codon, A replaced by C.
Genome position (GRCh38, 1-based): chr6:32,038,342, A>C. VCF-style: chr6-32038342-A-C. GRCh37 (hg19) VCF-style: chr6-32006119-A-C.
Identifiers: ClinVar variation 3056666 (VCV003056666.4), dbSNP rs554941446, ClinGen allele CA136893192.

ClinVar aggregate classification (germline): Conflicting classifications of pathogenicity. Review status: criteria provided, conflicting classifications (1 of 4 stars). 2 submissions from 2 submitters: Uncertain significance (1); Likely benign (1). Last evaluated 2026-04-22.

Conditions:
CYP21A2-related disorder. Also called: CYP21A2-related condition.
21-Hydroxylase-Deficient Congenital Adrenal Hyperplasia. Also called: ADRENAL HYPERPLASIA, CONGENITAL, DUE TO 21-HYDROXYLASE DEFICIENCY; ADRENAL HYPERPLASIA III. Identifiers: MedGen C2936858, OMIM 201910.

Allele frequency attached by ClinVar (database versions not stated): 1000 Genomes Project 30x 0.00234; 1000 Genomes Project 0.00260; TOPMed 0.01005; gnomAD exomes 0.01483.

Submissions (2):

PreventionGenetics, part of Exact Sciences
Classification: Uncertain significance for CYP21A2-related condition. Last evaluated: 2026-04-22. Review status: criteria provided, single submitter. Criteria: ACMG Guidelines, 2015. Collection method: clinical testing. Allele origin: germline.
Comment: The CYP21A2 c.-81A>C variant is located in the 5' untranslated region. To our knowledge, this variant has not been reported in the literature. This variant is reported in 2.55% of alleles in individuals of European (Finnish) descent in gnomAD (v2.1.1) with six homozygotes in total. However, this population frequency data may not be reliable since the variant is located within a highly homologous sequence region, and current next-generation sequencing technology may not accurately assign sequencing reads from the gene and pseudogene (Mandelker et al. 2016. PubMed ID: 27228465). Allele frequency data should be interpreted with caution. Of note, promoter variants in CYP21A2 have been reported to reduce transcriptional activities and therefore could be associated with mild disease (Zhang et al. 2009. PubMed ID: 18702679; Araújo et al. 2007. PubMed ID: 17666484). Although we suspect that this variant may be benign, at this time, the clinical significance of this variant is uncertain due to the absence of conclusive functional and genetic evidence.

Newborn Screening Ontario, Children's Hospital of Eastern Ontario (CHEO)
Classification: Likely benign for 21-Hydroxylase-Deficient Congenital Adrenal Hyperplasia. Last evaluated: 2023-04-21. Review status: criteria provided, single submitter. Criteria: ACMG Guidelines, 2015. Collection method: clinical testing. Allele origin: germline. Inheritance: Autosomal recessive inheritance.